The following is an entry in ClinVar:

NM_001256455.2(ZBTB7B):c.363G>T (p.Val121=)

Gene: ZBTB7B (zinc finger and BTB domain containing 7B; plus strand). Cytogenetic location: 1q21.3.
Variant type: single nucleotide variant.
Coding change: c.363G>T on transcript NM_001256455.2 (MANE Select); coding-DNA position 363, G replaced by T.
Protein change: p.Val121=; no amino-acid change (valine 121 retained).
Molecular consequence: synonymous variant.
Genome position (GRCh38, 1-based): chr1:155,015,023, G>T. VCF-style: chr1-155015023-G-T. GRCh37 (hg19) VCF-style: chr1-154987499-G-T.
Other names: c.363G>T, p.Val121= (NM_001252405.1, NM_001377452.1, NM_001377453.1 and 3 more transcripts); c.465G>T, p.Val155= (NM_001252406.3, NM_001377451.1).
Identifiers: ClinVar variation 2639387 (VCV002639387.24), dbSNP rs946862051, ClinGen allele CA421237531.

ClinVar aggregate classification (germline): Likely benign (1 of 4 stars; one submission).

Submission:

CeGaT Center for Human Genetics Tuebingen
Classification: Likely benign. Last evaluated: 2022-11-01. Review status: criteria provided, single submitter. Criteria: CeGaT Center For Human Genetics Tuebingen Variant Classification Criteria Version 2. Collection method: clinical testing. Allele origin: germline. Affected: yes. Observed: 1 variant allele.
Comment: ZBTB7B: PM2:Supporting, BP4, BP7